The following is an entry in ClinVar:

NM_005267.5(GJA8):c.73T>C (p.Trp25Arg)

Gene: GJA8 (gap junction protein alpha 8; plus strand). Cytogenetic location: 1q21.2.
Variant type: single nucleotide variant.
Coding change: c.73T>C on transcript NM_005267.5 (MANE Select); coding-DNA position 73, T replaced by C.
Protein change: p.Trp25Arg; replaces tryptophan 25 with arginine.
Molecular consequence: missense variant.
Genome position (GRCh38, 1-based): chr1:147,908,028, T>C. VCF-style: chr1-147908028-T-C. GRCh37 (hg19) VCF-style: chr1-147380155-T-C.
Other names: short protein forms W25R.
Identifiers: ClinVar variation 252946 (VCV000252946.2), dbSNP rs1114167309, ClinGen allele CA16609301.

ClinVar aggregate classification (germline): Uncertain significance. Review status: criteria provided, single submitter (1 of 4 stars). 2 submissions from 2 submitters: Uncertain significance (1). 1 of the submissions does not count toward it. Last evaluated 2023-01-21.

Conditions:
Developmental cataract. Also called: Bilateral cataracts; Congenital cataract; Congenital cataracts. Identifiers: MedGen C0009691, HP:0000519.
Cataract 1 multiple types. Also called: CATARACT 1, POSTERIOR SUBCAPSULAR, WITH MICROCORNEA; CATARACT 1, STELLATE NUCLEAR, WITH MICROCORNEA; CATARACT 1, MULTIPLE TYPES, WITH OR WITHOUT MICROCORNEA; CATARACT 1, NUCLEAR PROGRESSIVE; CATARACT 1 WITH MICROCORNEA; CATARACT, DUFFY-LINKED. Identifiers: Orphanet 1377, MedGen C1861828, MONDO:0007285, OMIM 116200.

Submissions (2):

Dept. Genetics and Cancer, Menzies Institute for Medical Research, University of Tasmania
Classification: Uncertain significance for Cataract 1 multiple types. Last evaluated: 2023-01-21. Review status: criteria provided, single submitter. Criteria: ACMG Guidelines, 2015. Collection method: curation. Allele origin: germline. Affected: yes.
Comment: Variant identified and curated during a GJA8 specific review of the literature in relation to pediatric or congenital cataract. ACMG-AMP criteria applied: PM1(Supporting), PM2(Supporting), PP1, PP3. Original variant report: PMID:28839118. The cataract phenotype reported for this variant is: Nuclear. Gene review and curation guidelines are outlined in: DOI 10.1080/17469899.2023.2160320

Department of Ophthalmology, Flinders University
Classification: Pathogenic for Developmental cataract. Last evaluated: 2016-07-29. Review status: no assertion criteria provided. Collection method: clinical testing. Allele origin: inherited. Affected: yes. Not counted in ClinVar's aggregate classification.

Literature cited by the submitters: PubMed 28839118 (cited by Dept. Genetics and Cancer, Menzies Institute for Medical Research, University of Tasmania).